The following is an entry in ClinVar:

ClinVar aggregate classification (germline): Uncertain significance. Review status: criteria provided, multiple submitters, no conflicts (2 of 4 stars). 2 submissions from 2 submitters: Uncertain significance (2). Last evaluated 2021-08-13.

Conditions:
Succinate-semialdehyde dehydrogenase deficiency (SSADHD). Also called: 4-HYDROXYBUTYRIC ACIDURIA; GABA METABOLIC DEFECT; Succinic Semialdehyde Dehydrogenase Deficiency; SSADH DEFICIENCY. Identifiers: Orphanet 22, MedGen C0268631, MONDO:0010083, OMIM 271980.

Allele frequency attached by ClinVar (database versions not stated): gnomAD 0.00001; gnomAD exomes 0.00003.
gnomAD v4.1: 5 of 1,514,072 alleles (0.00033%); highest among the groups gnomAD compares: South Asian, 0.0037%; no homozygotes.

Submissions (2):

Labcorp Genetics (formerly Invitae), Labcorp
Classification: Uncertain significance for Succinate-semialdehyde dehydrogenase deficiency. Last evaluated: 2021-08-13. Review status: criteria provided, single submitter. Criteria: Invitae Variant Classification Sherloc (09022015). Collection method: clinical testing. Allele origin: germline.
Comment: The frequency data for this variant in the population databases is considered unreliable, as metrics indicate insufficient coverage at this position in the ExAC database. This variant has not been reported in the literature in individuals affected with ALDH5A1-related conditions. Algorithms developed to predict the effect of missense changes on protein structure and function are either unavailable or do not agree on the potential impact of this missense change (SIFT: "Deleterious"; PolyPhen-2: "Probably Damaging"; Align-GVGD: "Class C0"). In summary, the available evidence is currently insufficient to determine the role of this variant in disease. Therefore, it has been classified as a Variant of Uncertain Significance. This sequence change replaces proline with leucine at codon 77 of the ALDH5A1 protein (p.Pro77Leu). The proline residue is moderately conserved and there is a moderate physicochemical difference between proline and leucine.

Blueprint Genetics
Classification: Uncertain significance. Last evaluated: 2021-05-28. Review status: criteria provided, single submitter. Criteria: ACMG Guidelines, 2015. Collection method: clinical testing. Allele origin: germline.

NM_001080.3(ALDH5A1):c.230C>T (p.Pro77Leu)

Genes: ALDH5A1 (aldehyde dehydrogenase 5 family member A1; plus strand), GPLD1 (glycosylphosphatidylinositol specific phospholipase D1; minus strand), LOC129995978 (ATAC-STARR-seq lymphoblastoid silent region 16989; plus strand). Cytogenetic location: 6p22.3.
Variant type: single nucleotide variant.
Coding change: c.230C>T on transcript NM_001080.3 (MANE Select); coding-DNA position 230, C replaced by T.
Protein change: p.Pro77Leu; replaces proline 77 with leucine.
Molecular consequence: missense variant.
Genome position (GRCh38, 1-based): chr6:24,495,226, C>T. VCF-style: chr6-24495226-C-T. GRCh37 (hg19) VCF-style: chr6-24495454-C-T.
Other names: c.230C>T, p.Pro77Leu (NM_001368954.1, NM_170740.1); short protein forms P77L.
Identifiers: ClinVar variation 1379381 (VCV001379381.9), dbSNP rs1417067364, ClinGen allele CA362968487.